The following is an entry in ClinVar:

NM_001846.4(COL4A2):c.5111G>T (p.Arg1704Leu)

Gene: COL4A2 (collagen type IV alpha 2 chain; plus strand). Cytogenetic location: 13q34.
Variant type: single nucleotide variant.
Coding change: c.5111G>T on transcript NM_001846.4 (MANE Select); coding-DNA position 5111, G replaced by T.
Protein change: p.Arg1704Leu; replaces arginine 1704 with leucine.
Molecular consequence: missense variant.
Genome position (GRCh38, 1-based): chr13:110,512,163, G>T. VCF-style: chr13-110512163-G-T. GRCh37 (hg19) VCF-style: chr13-111164510-G-T.
Other names: short protein forms R1704L.
Identifiers: ClinVar variation 311198 (VCV000311198.6), dbSNP rs747313370, ClinGen allele CA10633911.

ClinVar aggregate classification (germline): Uncertain significance. Review status: criteria provided, multiple submitters, no conflicts (2 of 4 stars). 2 submissions from 2 submitters: Uncertain significance (2). Last evaluated 2020-05-06.

Conditions:
Brain small vessel disease 2A, autosomal dominant. Also called: Porencephaly 2. Identifiers: Orphanet 2940, Orphanet 99810, MedGen C3280970, MONDO:0013773, OMIM 614483.

gnomAD v4.1: 2 of 1,612,920 alleles (0.00012%); highest among the groups gnomAD compares: Non-Finnish European, 0.00017%; no homozygotes.

Submissions (2):

Baylor Genetics
Classification: Uncertain significance for Brain small vessel disease 2A, autosomal dominant. Last evaluated: 2020-05-06. Review status: criteria provided, single submitter. Criteria: ACMG Guidelines, 2015. Collection method: clinical testing. Allele origin: unknown. Affected: yes.
Comment: This variant was determined to be of uncertain significance according to ACMG Guidelines, 2015 [PMID:25741868].

Illumina Laboratory Services, Illumina
Classification: Uncertain significance for Brain small vessel disease 2A, autosomal dominant. Last evaluated: 2018-01-12. Review status: criteria provided, single submitter. Criteria: ICSL Variant Classification Criteria 13 December 2019. Collection method: clinical testing. Allele origin: germline.